The following is an entry in ClinVar:

ClinVar aggregate classification (germline): Uncertain significance. Review status: criteria provided, multiple submitters, no conflicts (2 of 4 stars). 2 submissions from 2 submitters: Uncertain significance (2). Last evaluated 2024-06-07.

Conditions:
Familial sleep-related hypermotor epilepsy. Also called: Autosomal Dominant Sleep-Related Hypermotor (Hyperkinetic) Epilepsy. Identifiers: Orphanet 98784, MedGen C3696898, MONDO:0000030.

Submissions (2):

Labcorp Genetics (formerly Invitae), Labcorp
Classification: Uncertain significance. Last evaluated: 2024-06-07. Review status: criteria provided, single submitter. Criteria: Invitae Variant Classification Sherloc (09022015). Collection method: clinical testing. Allele origin: germline.
Comment: This sequence change results in a frameshift in the CHRNA2 gene (p.Tyr495Glufs*51). While this is not anticipated to result in nonsense mediated decay, it is expected to disrupt the last 35 amino acid(s) of the CHRNA2 protein and extend the protein by 15 additional amino acid residues. This variant is present in population databases (no rsID available, gnomAD 0.01%). This variant has not been reported in the literature in individuals affected with CHRNA2-related conditions. ClinVar contains an entry for this variant (Variation ID: 2504570). In summary, the available evidence is currently insufficient to determine the role of this variant in disease. Therefore, it has been classified as a Variant of Uncertain Significance.

GeneDx
Classification: Uncertain significance. Last evaluated: 2023-05-10. Review status: criteria provided, single submitter. Criteria: GeneDx Variant Classification Process June 2021. Collection method: clinical testing. Allele origin: germline. Affected: yes.
Comment: Not observed at significant frequency in large population cohorts (gnomAD); Frameshift variant predicted to result in the last 35 amino acids being replaced with 50 different amino acids; Has not been previously published as pathogenic or benign to our knowledge

NM_000742.4(CHRNA2):c.1479_1482dup (p.Tyr495fs)

Gene: CHRNA2 (cholinergic receptor nicotinic alpha 2 subunit; minus strand). Cytogenetic location: 8p21.2.
Variant type: Duplication.
Coding change: c.1479_1482dup on transcript NM_000742.4 (MANE Select); coding-DNA positions 1479 to 1482, 4 bases duplicated (GAAG; older notation c.1479_1482dupGAAG).
Protein change: p.Tyr495fs; shifts the reading frame from tyrosine 495.
Molecular consequence: frameshift variant.
Genome position (GRCh38, 1-based): chr8:27,461,737-27,461,740, CTTC duplicated on the plus strand (GAAG on the coding strand, the reverse complement: CHRNA2 is on the minus strand); duplicating any 4 consecutive bases within chr8:27,461,737-27,461,741 gives the same sequence; the c. name uses the placement nearest the transcript's 3' end. VCF-style (leftmost placement, unchanged base first): chr8-27461736-A-ACTTC. GRCh37 (hg19) VCF-style: chr8-27319253-A-ACTTC.
Other names: c.1434_1437dup, p.Tyr480fs (NM_001282455.2); c.1002_1005dup, p.Tyr336fs (NM_001347705.2, NM_001347706.2); c.885_888dup, p.Tyr297fs (NM_001347707.2, NM_001347708.2); short protein forms Y297fs, Y336fs, Y480fs, Y495fs.
Identifiers: ClinVar variation 2504570 (VCV002504570.3), dbSNP rs1384290188, ClinGen allele CA580667790.